The following is an entry in ClinVar:

NM_014915.3(ANKRD26):c.4438C>A (p.Gln1480Lys)

Gene: ANKRD26 (ankyrin repeat domain 26; minus strand). Cytogenetic location: 10p12.1.
Variant type: single nucleotide variant.
Coding change: c.4438C>A on transcript NM_014915.3 (MANE Select); coding-DNA position 4438, C replaced by A.
Protein change: p.Gln1480Lys; replaces glutamine 1480 with lysine.
Molecular consequence: missense variant.
Genome position (GRCh38, 1-based): chr10:27,017,570, G>T on the plus strand (C>A on the coding strand, the complement: ANKRD26 is on the minus strand). VCF-style: chr10-27017570-G-T. GRCh37 (hg19) VCF-style: chr10-27306499-G-T.
Other names: c.4435C>A, p.Gln1479Lys (NM_001256053.2); short protein forms Q1479K, Q1480K.
Identifiers: ClinVar variation 2364419 (VCV002364419.16), dbSNP rs768622377, ClinGen allele CA5447792.

ClinVar aggregate classification (germline): Conflicting classifications of pathogenicity. Review status: criteria provided, conflicting classifications (1 of 4 stars). 3 submissions from 3 submitters: Uncertain significance (2); Likely benign (1). Last evaluated 2025-05-21.

Conditions:
Inborn genetic diseases. Identifiers: MedGen C0950123, MeSH D030342.

Allele frequency attached by ClinVar (database versions not stated): TOPMed 0.00002; gnomAD 0.00003.
gnomAD v4.1: 17 of 1,613,486 alleles (0.0011%); highest among the groups gnomAD compares: Middle Eastern, 0.016%; no homozygotes.

Submissions (3):

Labcorp Genetics (formerly Invitae), Labcorp
Classification: Uncertain significance. Last evaluated: 2025-05-21. Review status: criteria provided, single submitter. Criteria: Invitae Variant Classification Sherloc (09022015). Collection method: clinical testing. Allele origin: germline.
Comment: This sequence change replaces glutamine, which is neutral and polar, with lysine, which is basic and polar, at codon 1480 of the ANKRD26 protein (p.Gln1480Lys). This variant is present in population databases (rs768622377, gnomAD 0.004%). This variant has not been reported in the literature in individuals affected with ANKRD26-related conditions. ClinVar contains an entry for this variant (Variation ID: 2364419). An algorithm developed to predict the effect of missense changes on protein structure and function (PolyPhen-2) suggests that this variant is likely to be tolerated. In summary, the available evidence is currently insufficient to determine the role of this variant in disease. Therefore, it has been classified as a Variant of Uncertain Significance.

CeGaT Center for Human Genetics Tuebingen
Classification: Likely benign. Last evaluated: 2025-05-01. Review status: criteria provided, single submitter. Criteria: CeGaT Center For Human Genetics Tuebingen Variant Classification Criteria Version 2. Collection method: clinical testing. Allele origin: germline. Affected: yes. Observed: 1 variant allele.
Comment: ANKRD26: BP4

Ambry Genetics
Classification: Uncertain significance for Inborn genetic diseases. Last evaluated: 2024-12-12. Review status: criteria provided, single submitter. Criteria: Ambry Variant Classification Scheme 2023. Collection method: clinical testing. Allele origin: germline.
Comment: The p.Q1480K variant (also known as c.4438C>A), located in coding exon 30 of the ANKRD26 gene, results from a C to A substitution at nucleotide position 4438. The glutamine at codon 1480 is replaced by lysine, an amino acid with similar properties. This amino acid position is conserved. In addition, this alteration is predicted to be tolerated by in silico analysis. Based on the available evidence, the clinical significance of this variant remains unclear.